The following is an entry in ClinVar:

NM_002907.4(RECQL):c.1930A>G (p.Arg644Gly)

Genes: PYROXD1 (pyridine nucleotide-disulphide oxidoreductase domain 1; plus strand), RECQL (RecQ like helicase; minus strand). Cytogenetic location: 12p12.1.
Variant type: single nucleotide variant.
Coding change: c.1930A>G on transcript NM_002907.4 (MANE Select); coding-DNA position 1930, A replaced by G.
Protein change: p.Arg644Gly; replaces arginine 644 with glycine.
Molecular consequence: missense variant. On other transcripts: 3 prime UTR variant (3).
Genome position (GRCh38, 1-based): chr12:21,470,214, T>C on the plus strand (A>G on the coding strand, the complement: RECQL is on the minus strand). VCF-style: chr12-21470214-T-C. GRCh37 (hg19) VCF-style: chr12-21623148-T-C.
Other names: c.1930A>G, p.Arg644Gly (NM_032941.3); c.*1460T>C (NM_001350912.2, NM_001350913.2, NM_024854.5); short protein forms R644G.
Identifiers: ClinVar variation 1040290 (VCV001040290.9), dbSNP rs1942902148, ClinGen allele CA384113521.
Genomic context (GRCh38, chr12:21,470,214, plus strand): 5'-CATAAACCATCTTTAATTAGAAAATTTAGTAACATTCATATCAGGCATCATCGATTTTTC[T>C]TTTCTTAGCTCCTGTATTCTTAGAACCAGATTGCTGAAGCATGTTTGCAGCCTTCTTCTG-3'
Protein context (NP_002898.2, residues 634-649): SGSKNTGAKK[Arg644Gly]KIDDA

ClinVar aggregate classification (germline): Uncertain significance (1 of 4 stars; one submission).

Submission:

Labcorp Genetics (formerly Invitae), Labcorp
Classification: Uncertain significance. Last evaluated: 2020-01-20. Review status: criteria provided, single submitter. Criteria: Invitae Variant Classification Sherloc (09022015). Collection method: clinical testing. Allele origin: germline.
Comment: In summary, the available evidence is currently insufficient to determine the role of this variant in disease. Therefore, it has been classified as a Variant of Uncertain Significance. Algorithms developed to predict the effect of missense changes on protein structure and function are either unavailable or do not agree on the potential impact of this missense change (SIFT: "Tolerated"; PolyPhen-2: "Benign"; Align-GVGD: "Class C0"). This variant has not been reported in the literature in individuals with RECQL-related conditions. This variant is not present in population databases (ExAC no frequency). This sequence change replaces arginine with glycine at codon 644 of the RECQL protein (p.Arg644Gly). The arginine residue is moderately conserved and there is a moderate physicochemical difference between arginine and glycine.